The following is an entry in ClinVar:

ClinVar aggregate classification (germline): Uncertain significance (1 of 4 stars; one submission).

Conditions:
Marfan syndrome (MFS). Also called: MARFAN SYNDROME, TYPE I; Marfan syndrome type 1; Marfan's syndrome; Marfan syndrome, classic; FBN1-Related Marfan Syndrome. Identifiers: Orphanet 284963, Orphanet 558, MedGen C0024796, MONDO:0007947, OMIM 154700.
Familial thoracic aortic aneurysm and aortic dissection (TAAD). Also called: Thoracic aortic aneurysms and dissections. Identifiers: Orphanet 91387, MedGen C4707243, MONDO:0019625.

Allele frequency attached by ClinVar (database versions not stated): gnomAD exomes below 0.00001.
gnomAD v4.1: 4 of 1,613,966 alleles (0.00025%); highest among the groups gnomAD compares: East Asian, 0.0067%; no homozygotes.

Submission:

Labcorp Genetics (formerly Invitae), Labcorp
Classification: Uncertain significance for Marfan syndrome; Familial thoracic aortic aneurysm and aortic dissection. Last evaluated: 2023-12-28. Review status: criteria provided, single submitter. Criteria: Invitae Variant Classification Sherloc (09022015). Collection method: clinical testing. Allele origin: germline.
Comment: This sequence change replaces isoleucine, which is neutral and non-polar, with valine, which is neutral and non-polar, at codon 289 of the FBN1 protein (p.Ile289Val). This variant is present in population databases (no rsID available, gnomAD 0.007%). This variant has not been reported in the literature in individuals affected with FBN1-related conditions. An algorithm developed to predict the effect of missense changes on protein structure and function (PolyPhen-2) suggests that this variant is likely to be tolerated. In summary, the available evidence is currently insufficient to determine the role of this variant in disease. Therefore, it has been classified as a Variant of Uncertain Significance.

NM_000138.5(FBN1):c.865A>G (p.Ile289Val)

Gene: FBN1 (fibrillin 1; minus strand). Cytogenetic location: 15q21.1.
Variant type: single nucleotide variant.
Coding change: c.865A>G on transcript NM_000138.5 (MANE Select); coding-DNA position 865, A replaced by G.
Protein change: p.Ile289Val; replaces isoleucine 289 with valine.
Molecular consequence: missense variant.
Genome position (GRCh38, 1-based): chr15:48,526,253, T>C on the plus strand (A>G on the coding strand, the complement: FBN1 is on the minus strand). VCF-style: chr15-48526253-T-C. GRCh37 (hg19) VCF-style: chr15-48818450-T-C.
Other names: c.865A>G, p.Ile289Val (NM_001406716.1); short protein forms I289V.
Identifiers: ClinVar variation 2926585 (VCV002926585.3), dbSNP rs1403216956, ClinGen allele CA392350605.